The following is an entry in ClinVar:

ClinVar aggregate classification (germline): Likely benign. Review status: criteria provided, multiple submitters, no conflicts (2 of 4 stars). 3 submissions from 3 submitters: Likely benign (2). 1 of the submissions does not count toward it. Last evaluated 2024-03-12.

Conditions:
FUT8-related disorder. Also called: FUT8-related condition.

Allele frequency attached by ClinVar (database versions not stated): ExAC 0.00001.
gnomAD v4.1: 30 of 1,612,870 alleles (0.0019%); highest among the groups gnomAD compares: Middle Eastern, 0.017%; no homozygotes.

Submissions (3):

Labcorp Genetics (formerly Invitae), Labcorp
Classification: Likely benign. Last evaluated: 2024-03-12. Review status: criteria provided, single submitter. Criteria: Invitae Variant Classification Sherloc (09022015). Collection method: clinical testing. Allele origin: germline.

Blueprint Genetics
Classification: Likely benign. Last evaluated: 2022-11-22. Review status: criteria provided, single submitter. Criteria: ACMG Guidelines, 2015. Collection method: clinical testing. Allele origin: germline.

PreventionGenetics, part of Exact Sciences
Classification: Likely benign for FUT8-related condition. Last evaluated: 2019-12-03. Review status: no assertion criteria provided. Collection method: clinical testing. Allele origin: germline. Not counted in ClinVar's aggregate classification.
Comment: This variant is classified as likely benign based on ACMG/AMP sequence variant interpretation guidelines (Richards et al. 2015 PMID: 25741868, with internal and published modifications).

NM_001371533.1(FUT8):c.1656A>G (p.Leu552=)

Gene: FUT8 (fucosyltransferase 8; plus strand). Cytogenetic location: 14q23.3.
Variant type: single nucleotide variant.
Coding change: c.1656A>G on transcript NM_001371533.1 (MANE Select); coding-DNA position 1656, A replaced by G.
Protein change: p.Leu552=; no amino-acid change (leucine 552 retained).
Molecular consequence: synonymous variant. On other transcripts: non-coding transcript variant (1).
Genome position (GRCh38, 1-based): chr14:65,742,338, A>G. VCF-style: chr14-65742338-A-G. GRCh37 (hg19) VCF-style: chr14-66209056-A-G.
Other names: c.1656A>G, p.Leu552= (NM_001371534.1, NM_178155.3, NM_178156.2); c.1758A>G, p.Leu586= (NM_001371536.1); c.1167A>G, p.Leu389= (NM_004480.4).
Identifiers: ClinVar variation 3048856 (VCV003048856.5), dbSNP rs779844967, ClinGen allele CA7233488.